The following is an entry in ClinVar:

NM_024529.5(CDC73):c.496C>T (p.Gln166Ter)

Gene: CDC73 (cell division cycle 73; plus strand). Cytogenetic location: 1q31.2.
Variant type: single nucleotide variant.
Coding change: c.496C>T on transcript NM_024529.5 (MANE Select); coding-DNA position 496, C replaced by T.
Protein change: p.Gln166Ter; replaces glutamine 166 with a stop codon.
Molecular consequence: nonsense.
Genome position (GRCh38, 1-based): chr1:193,138,157, C>T. VCF-style: chr1-193138157-C-T. GRCh37 (hg19) VCF-style: chr1-193107287-C-T.
Other names: short protein forms Q166*.
Identifiers: ClinVar variation 1457824 (VCV001457824.8), dbSNP rs2103123807, ClinGen allele CA343961330.

ClinVar aggregate classification (germline): Pathogenic (1 of 4 stars; one submission).

Conditions:
Parathyroid carcinoma (PRTC). Also called: Parathyroid gland carcinoma; CDC73-Related Parathyroid Carcinoma. Identifiers: Orphanet 143, MedGen C0687150, MONDO:0012004, OMIM 608266, HP:0006780.

Submission:

Labcorp Genetics (formerly Invitae), Labcorp
Classification: Pathogenic for Parathyroid carcinoma. Last evaluated: 2022-03-05. Review status: criteria provided, single submitter. Criteria: Invitae Variant Classification Sherloc (09022015). Collection method: clinical testing. Allele origin: germline.
Comment: This sequence change creates a premature translational stop signal (p.Gln166*) in the CDC73 gene. It is expected to result in an absent or disrupted protein product. Loss-of-function variants in CDC73 are known to be pathogenic (PMID: 12434154). This variant is not present in population databases (gnomAD no frequency). This premature translational stop signal has been observed in individual(s) with primary hyperparathyroidism (PMID: 28870973). For these reasons, this variant has been classified as Pathogenic.

Literature cited by the submitters: PubMed 12434154; PubMed 28870973.